The following is an entry in ClinVar:

ClinVar aggregate classification (germline): Uncertain significance (1 of 4 stars; one submission).

Conditions:
EGFR-related lung cancer (EGFR). Identifiers: MedGen CN130014.

Submission:

Labcorp Genetics (formerly Invitae), Labcorp
Classification: Uncertain significance for EGFR-related lung cancer. Last evaluated: 2022-01-28. Review status: criteria provided, single submitter. Criteria: Invitae Variant Classification Sherloc (09022015). Collection method: clinical testing. Allele origin: germline.
Comment: This sequence change replaces tyrosine, which is neutral and polar, with phenylalanine, which is neutral and non-polar, at codon 610 of the EGFR protein (p.Tyr610Phe). This variant is not present in population databases (gnomAD no frequency). This variant has not been reported in the literature in individuals affected with EGFR-related conditions. Algorithms developed to predict the effect of missense changes on protein structure and function output the following: SIFT: "Tolerated"; PolyPhen-2: "Benign"; Align-GVGD: "Class C0". The phenylalanine amino acid residue is found in multiple mammalian species, which suggests that this missense change does not adversely affect protein function. In summary, the available evidence is currently insufficient to determine the role of this variant in disease. Therefore, it has been classified as a Variant of Uncertain Significance.

NM_005228.5(EGFR):c.1829A>T (p.Tyr610Phe)

Gene: EGFR (epidermal growth factor receptor; plus strand). Cytogenetic location: 7p11.2.
Variant type: single nucleotide variant.
Coding change: c.1829A>T on transcript NM_005228.5 (MANE Select); coding-DNA position 1829, A replaced by T.
Protein change: p.Tyr610Phe; replaces tyrosine 610 with phenylalanine.
Molecular consequence: missense variant.
Genome position (GRCh38, 1-based): chr7:55,165,386, A>T. VCF-style: chr7-55165386-A-T. GRCh37 (hg19) VCF-style: chr7-55233079-A-T.
Other names: c.1694A>T, p.Tyr565Phe (NM_001346897.2, NM_001346899.2); c.1829A>T, p.Tyr610Phe (NM_001346898.2, NM_201282.2, NM_201284.2); c.1670A>T, p.Tyr557Phe (NM_001346900.2); c.1028A>T, p.Tyr343Phe (NM_001346941.2); short protein forms Y343F, Y557F, Y610F, Y565F.
Identifiers: ClinVar variation 1939227 (VCV001939227.5), dbSNP rs2128946410, ClinGen allele CA367581016.